The following is an entry in ClinVar:

ClinVar aggregate classification (germline): Uncertain significance. Review status: reviewed by expert panel (3 of 4 stars). 3 submissions from 3 submitters: Uncertain significance (1). 2 of the submissions do not count toward it. Last evaluated 2025-10-03.

Conditions:
Monogenic diabetes. Identifiers: Orphanet 183625, MedGen C3888631, MONDO:0015967.
Maturity-onset diabetes of the young (MODY). Also called: Maturity onset diabetes mellitus in young. Identifiers: Orphanet 552, MedGen C0342276, MONDO:0018911, HP:0004904.

Submissions (3):

ClinGen Monogenic Diabetes Variant Curation Expert Panel
Classification: Uncertain significance for Monogenic diabetes. Last evaluated: 2025-10-03. Review status: reviewed by expert panel. Criteria: ClinGen Diabetes ACMG Specifications HNF1A V3.0.0. Collection method: curation. Allele origin: germline. Inheritance: Autosomal dominant inheritance.
Comment: The c.85G>C variant in the HNF1 homeobox A gene, HNF1A, causes an amino acid change of alanine to proline at codon 29 (p.(Ala29Pro)) of NM_000545.8. This variant is located within the DNA dimerization domain (codons 1-32) of HNF1A, which is defined as critical for the protein’s function by the ClinGen MDEP (PM1_Supporting) and is absent from gnomAD v4.1.0 (PM2_Supporting). Additionally, this variant is predicted to be deleterious by computational evidence, with a REVEL score of 0.908, which is greater than the MDEP VCEP threshold of 0.70 (PP3). This variant was identified in 4 unrelated individuals with non- autoimmune and non-absolute/near-absolute insulin-deficient diabetes (PS4_Moderate; internal lab contributors). This variant has been observed in unknown phase in one individual with the c.143del variant, which is classified as likely pathogenic (PVS1, PM2_Supporting) by ClinGen MDEP HNF1A specifications (BP2; internal lab contributors). In summary, c.85G>C meets the criteria to be classified as a variant of uncertain significance for monogenic diabetes. ACMG/AMP criteria applied, as specified by the ClinGen MDEP (specification version 3.0.0, approved 6/30/2025): PM1_Supporting, PM2_Supporting, PP3, PS4_Moderate, BP2.

Personalized Diabetes Medicine Program, University of Maryland School of Medicine
Classification: Uncertain significance for Monogenic diabetes. Last evaluated: 2018-11-08. Review status: criteria provided, single submitter. Criteria: ACMG Guidelines, 2015. Collection method: research. Allele origin: unknown. Observed: 1 variant allele, 1 heterozygote. Not counted in ClinVar's aggregate classification.
Comment: ACMG criteria: PP3 (REVEL 0.908 +10 predictors), PM1, PM2= VUS

Clinical Genomics, Uppaluri K&H Personalized Medicine Clinic
Classification: Likely risk allele for Maturity-onset diabetes of the young. Review status: criteria provided, single submitter. Criteria: K & H Uppaluri Personalized Medicine Clinic Variant Classification & Assertion Criteria_Updated V.1. Collection method: research. Allele origin: unknown. Inheritance: Autosomal dominant inheritance. Not counted in ClinVar's aggregate classification.
Comment: Mutations in HNF1A gene can predispose to MODY3. It is associated with both micro and macrovascular complications of diabetes, especially cardiovascular complications. Associated with glucosuria. May respond well to sulfonylureas. However, more evidence is required to confer the association of this particular variant rs1876087643 with MODY3.

Literature cited by the submitters: PubMed 31517624 (cited by Clinical Genomics, Uppaluri K&H Personalized Medicine Clinic); PubMed 32395877 (cited by Clinical Genomics, Uppaluri K&H Personalized Medicine Clinic); PubMed 35328643 (cited by Clinical Genomics, Uppaluri K&H Personalized Medicine Clinic); PubMed 35673428 (cited by Clinical Genomics, Uppaluri K&H Personalized Medicine Clinic).

NM_000545.8(HNF1A):c.85G>C (p.Ala29Pro)

Gene: HNF1A (HNF1 homeobox A; plus strand). Cytogenetic location: 12q24.31.
Variant type: single nucleotide variant.
Coding change: c.85G>C on transcript NM_000545.8 (MANE Select); coding-DNA position 85, G replaced by C.
Protein change: p.Ala29Pro; replaces alanine 29 with proline.
Molecular consequence: missense variant.
Genome position (GRCh38, 1-based): chr12:120,978,853, G>C. VCF-style: chr12-120978853-G-C. GRCh37 (hg19) VCF-style: chr12-121416656-G-C.
Other names: NM_000545.8(HNF1A):c.85G>C; p.Ala29Pro; c.85G>C, p.Ala29Pro (NM_001306179.2); short protein forms A29P.
Identifiers: ClinVar variation 917405 (VCV000917405.4), dbSNP rs1876087643, ClinGen allele CA386952758.